The following is an entry in ClinVar:

NM_001083961.2(WDR62):c.220A>G (p.Ser74Gly)

Gene: WDR62 (WD repeat domain 62; plus strand). Cytogenetic location: 19q13.12.
Variant type: single nucleotide variant.
Coding change: c.220A>G on transcript NM_001083961.2 (MANE Select); coding-DNA position 220, A replaced by G.
Protein change: p.Ser74Gly; replaces serine 74 with glycine.
Molecular consequence: missense variant.
Genome position (GRCh38, 1-based): chr19:36,058,822, A>G. VCF-style: chr19-36058822-A-G. GRCh37 (hg19) VCF-style: chr19-36549724-A-G.
Other names: c.220A>G, p.Ser74Gly (NM_001411145.1, NM_001411146.1, NM_001411147.1 and 1 more transcripts); short protein forms S74G.
Identifiers: ClinVar variation 3605522 (VCV003605522.2).
Genomic context (GRCh38, chr19:36,058,822, plus strand): 5'-TGGGCTTTTTCTTTGCAGGTGTCACTCGAGAAGGTGCTTGGCATCACAGCCCAGAACAGC[A>G]GTGGCCTAACCTGTGACCCCGGCACAGGCCATGTGGCCTACCTGGCAGGGTAAGCAGATA-3'
Protein context (NP_001077430.1, residues 64-84): KVLGITAQNS[Ser74Gly]GLTCDPGTGH

ClinVar aggregate classification (germline): Uncertain significance (1 of 4 stars; one submission).

gnomAD v4.1: 32 of 1,614,250 alleles (0.002%); highest among the groups gnomAD compares: Admixed American, 0.005%; no homozygotes.

Submission:

Labcorp Genetics (formerly Invitae), Labcorp
Classification: Uncertain significance. Last evaluated: 2026-01-12. Review status: criteria provided, single submitter. Criteria: Invitae Variant Classification Sherloc (09022015). Collection method: clinical testing. Allele origin: germline.
Comment: This sequence change replaces serine, which is neutral and polar, with glycine, which is neutral and non-polar, at codon 74 of the WDR62 protein (p.Ser74Gly). This variant is present in population databases (rs764647175, gnomAD 0.009%). This variant has not been reported in the literature in individuals affected with WDR62-related conditions. ClinVar contains an entry for this variant (Variation ID: 3605522). Invitae Evidence Modeling of protein sequence and biophysical properties (such as structural, functional, and spatial information, amino acid conservation, physicochemical variation, residue mobility, and thermodynamic stability) indicates that this missense variant is expected to disrupt WDR62 protein function with a positive predictive value of 80%. In summary, the available evidence is currently insufficient to determine the role of this variant in disease. Therefore, it has been classified as a Variant of Uncertain Significance.